The following is an entry in ClinVar:

ClinVar aggregate classification (germline): Pathogenic. Review status: criteria provided, multiple submitters, no conflicts (2 of 4 stars). 4 submissions from 4 submitters: Pathogenic (4). Last evaluated 2024-08-23.

Conditions:
DNAH5-related disorder. Also called: DNAH5-related condition.
Primary ciliary dyskinesia. Also called: Ciliary dyskinesia. Identifiers: Orphanet 244, MedGen C0008780, MONDO:0016575, HP:0012265.
Primary ciliary dyskinesia 3. Identifiers: Orphanet 244, MedGen C1837618, MONDO:0012085, OMIM 608644.

gnomAD v4.1: 6 of 1,613,546 alleles (0.00037%); highest among the groups gnomAD compares: Admixed American, 0.0017%; no homozygotes.

Submissions (4):

Natera, Inc.
Classification: Pathogenic for Primary ciliary dyskinesia. Last evaluated: 2024-08-23. Review status: criteria provided, single submitter. Criteria: Natera Variant Classification Schema (03/2026). Collection method: clinical testing. Allele origin: germline.
Comment: The c.1627C>T variant in DNAH5 is a nonsense variant predicted to introduce a stop codon at amino acid 543. This variant is expected to result in nonsense mediated decay, truncation, or a dysfunctional protein product. This variant is rare in the general population with a frequency below the threshold expected for the associated phenotype(s). This variant has been observed in one or more individuals affected with the associated recessive disease, as either homozygous or compound heterozygous with a second variant (PMID: 16627867). Given the available evidence, this variant is classified as Pathogenic.

Myriad Genetics, Inc.
Classification: Pathogenic for Primary ciliary dyskinesia 3. Last evaluated: 2024-05-14. Review status: criteria provided, single submitter. Criteria: Myriad Autosomal Dominant, Autosomal Recessive and X-Linked Classification Criteria (2023). Collection method: clinical testing. Allele origin: unknown.
Comment: NM_001369.2(DNAH5):c.1627C>T(Q543*) is expected to be pathogenic in the context of primary ciliary dyskinesia, DNAH5-related. This variant is predicted to lead to an abnormal or absent protein product due to the creation of a premature termination codon in DNAH5, a gene where loss-of-function variants are known to be pathogenic. Please note: this variant was assessed in the context of healthy population screening.

Labcorp Genetics (formerly Invitae), Labcorp
Classification: Pathogenic for Primary ciliary dyskinesia. Last evaluated: 2024-04-08. Review status: criteria provided, single submitter. Criteria: Invitae Variant Classification Sherloc (09022015). Collection method: clinical testing. Allele origin: germline.
Comment: This sequence change creates a premature translational stop signal (p.Gln543*) in the DNAH5 gene. It is expected to result in an absent or disrupted protein product. Loss-of-function variants in DNAH5 are known to be pathogenic (PMID: 11788826, 16627867). This variant is not present in population databases (gnomAD no frequency). This premature translational stop signal has been observed in individual(s) with clinical features of DNAH5 -related conditions (PMID: 16627867). ClinVar contains an entry for this variant (Variation ID: 1456357). For these reasons, this variant has been classified as Pathogenic.

PreventionGenetics, part of Exact Sciences
Classification: Pathogenic for DNAH5-related condition. Last evaluated: 2022-08-30. Review status: criteria provided, single submitter. Criteria: ACMG Guidelines, 2015. Collection method: clinical testing. Allele origin: germline.
Comment: The DNAH5 c.1627C>T variant is predicted to result in premature protein termination (p.Gln543*). This variant was reported in the compound heterozygous state in an individual with primary ciliary dyskinesia (Hornef et al. 2006. PubMed ID: 16627867). This variant has not been reported in a large population database, indicating this variant is rare. Nonsense variants in DNAH5 are expected to be pathogenic. This variant is interpreted as pathogenic.

Literature cited by the submitters: PubMed 16627867 (cited by Natera, Inc. and Labcorp Genetics (formerly Invitae), Labcorp); PubMed 11788826 (cited by Labcorp Genetics (formerly Invitae), Labcorp).

NM_001369.3(DNAH5):c.1627C>T (p.Gln543Ter)

Gene: DNAH5 (dynein axonemal heavy chain 5; minus strand). Cytogenetic location: 5p15.2.
Variant type: single nucleotide variant.
Coding change: c.1627C>T on transcript NM_001369.3 (MANE Select); coding-DNA position 1627, C replaced by T.
Protein change: p.Gln543Ter; replaces glutamine 543 with a stop codon.
Molecular consequence: nonsense.
Genome position (GRCh38, 1-based): chr5:13,911,403, G>A on the plus strand (C>T on the coding strand, the complement: DNAH5 is on the minus strand). VCF-style: chr5-13911403-G-A. GRCh37 (hg19) VCF-style: chr5-13911512-G-A.
Other names: c.1627C>T (NM_001369.2); short protein forms Q543*.
Identifiers: ClinVar variation 1456357 (VCV001456357.12), dbSNP rs2151977668, ClinGen allele CA359211715.
Genomic context (GRCh38, chr5:13,911,403, plus strand): 5'-ATAAACACACGACTGTCAACAGGAATTTTATTATACAACCTACATGAAGGTCATTAGTCT[G>A]CTTGCAAAACTCTTCGTAATCTTGGTCAAAATCCATTTTCCGCTGGTCTAGGAAATTGTA-3'